The following is an entry in ClinVar:

NM_001077653.2(TBX20):c.272_280dup (p.Pro93_Ser94insIleIlePro)

Gene: TBX20 (T-box transcription factor 20; minus strand). Cytogenetic location: 7p14.2.
Variant type: Duplication.
Coding change: c.272_280dup on transcript NM_001077653.2 (MANE Select); coding-DNA positions 272 to 280, 9 bases duplicated (TCATCCCCA; older notation c.272_280dupTCATCCCCA).
Protein change: p.Pro93_Ser94insIleIlePro.
Genome position (GRCh38, 1-based): chr7:35,250,051-35,250,059, TGGGGATGA duplicated on the plus strand (TCATCCCCA on the coding strand, the reverse complement: TBX20 is on the minus strand); duplicating any 9 consecutive bases within chr7:35,250,051-35,250,064 gives the same sequence; the c. name uses the placement nearest the transcript's 3' end. VCF-style (leftmost placement, unchanged base first): chr7-35250050-C-CTGGGGATGA. GRCh37 (hg19) VCF-style: chr7-35289662-C-CTGGGGATGA.
Other names: c.272_280dup, p.Pro93_Ser94insIleIlePro (NM_001166220.1).
Identifiers: ClinVar variation 3728537 (VCV003728537.2).

ClinVar aggregate classification (germline): Uncertain significance (1 of 4 stars; one submission).

Submission:

Labcorp Genetics (formerly Invitae), Labcorp
Classification: Uncertain significance. Last evaluated: 2025-01-06. Review status: criteria provided, single submitter. Criteria: Invitae Variant Classification Sherloc (09022015). Collection method: clinical testing. Allele origin: germline.
Comment: This variant, c.272_280dup, results in the insertion of 3 amino acid(s) of the TBX20 protein (p.Ile91_Pro93dup), but otherwise preserves the integrity of the reading frame. This variant is not present in population databases (gnomAD no frequency). This variant has not been reported in the literature in individuals affected with TBX20-related conditions. In summary, the available evidence is currently insufficient to determine the role of this variant in disease. Therefore, it has been classified as a Variant of Uncertain Significance.